The following is an entry in ClinVar:

NM_001164508.2(NEB):c.10783G>A (p.Asp3595Asn)

Gene: NEB (nebulin; minus strand). Cytogenetic location: 2q23.3.
Variant type: single nucleotide variant.
Coding change: c.10783G>A on transcript NM_001164508.2 (MANE Select); coding-DNA position 10783, G replaced by A.
Protein change: p.Asp3595Asn; replaces aspartic acid 3595 with asparagine.
Molecular consequence: missense variant.
Genome position (GRCh38, 1-based): chr2:151,619,540, C>T on the plus strand (G>A on the coding strand, the complement: NEB is on the minus strand). VCF-style: chr2-151619540-C-T. GRCh37 (hg19) VCF-style: chr2-152476054-C-T.
Other names: c.10783G>A, p.Asp3595Asn (NM_001164507.2, NM_001271208.2); c.10054G>A, p.Asp3352Asn (NM_004543.5); short protein forms D3595N, D3352N.
Identifiers: ClinVar variation 2009107 (VCV002009107.4), dbSNP rs2552232753, ClinGen allele CA348787799.
Genomic context (GRCh38, chr2:151,619,540, plus strand): 5'-CATGAATGATGTCATTCTGGTCGGGCAGGCAGATCCATTCATGCAGAGGATGTTTATAGT[C>T]CACATCGCTGACCAAGGTCTGACACTTCTTGGCCAAAACGATACCAAGCATGTCCACTGG-3'
Protein context (NP_001157980.2, residues 3585-3605): KKCQTLVSDV[Asp3595Asn]YKHPLHEWIC

ClinVar aggregate classification (germline): Uncertain significance (1 of 4 stars; one submission).

Conditions:
Nemaline myopathy 2 (NEM2). Also called: Nemaline myopathy 2, autosomal recessive. Identifiers: MedGen C1850569, MONDO:0009725, OMIM 256030.

Submission:

Labcorp Genetics (formerly Invitae), Labcorp
Classification: Uncertain significance for Nemaline myopathy 2. Last evaluated: 2022-05-12. Review status: criteria provided, single submitter. Criteria: Invitae Variant Classification Sherloc (09022015). Collection method: clinical testing. Allele origin: germline.
Comment: In summary, the available evidence is currently insufficient to determine the role of this variant in disease. Therefore, it has been classified as a Variant of Uncertain Significance. Algorithms developed to predict the effect of missense changes on protein structure and function are either unavailable or do not agree on the potential impact of this missense change (SIFT: "Deleterious"; PolyPhen-2: "Not Available"; Align-GVGD: "Class C0"). This variant has not been reported in the literature in individuals affected with NEB-related conditions. This variant is not present in population databases (gnomAD no frequency). This sequence change replaces aspartic acid, which is acidic and polar, with asparagine, which is neutral and polar, at codon 3595 of the NEB protein (p.Asp3595Asn).